The following is an entry in ClinVar:

ClinVar aggregate classification (germline): Pathogenic (1 of 4 stars; one submission).

Conditions:
Familial cancer of breast. Also called: BREAST CANCER, FAMILIAL; Hereditary breast cancer; hereditary breast carcinoma. Identifiers: Orphanet 227535, MedGen C0346153, MONDO:0016419, OMIM 114480. Disease mechanism: loss of function.

Submission:

Myriad Genetics, Inc.
Classification: Pathogenic for Familial cancer of breast. Last evaluated: 2024-01-17. Review status: criteria provided, single submitter. Criteria: Myriad Autosomal Dominant, Autosomal Recessive and X-Linked Classification Criteria (2023). Collection method: clinical testing. Allele origin: unknown.
Comment: This variant is considered pathogenic. This variant creates a frameshift predicted to result in premature protein truncation.

NM_000051.4(ATM):c.2082del (p.Leu695fs)

Gene: ATM (ATM serine/threonine kinase; plus strand). Cytogenetic location: 11q22.3.
Variant type: Deletion.
Coding change: c.2082del on transcript NM_000051.4 (MANE Select); coding-DNA position 2082, one base deleted (T; older notation c.2082delT).
Protein change: p.Leu695fs; shifts the reading frame from leucine 695.
Molecular consequence: frameshift variant.
Genome position (GRCh38, 1-based): chr11:108,253,997, T deleted; the last of 2 consecutive T bases (chr11:108,253,996-108,253,997); deleting either gives the same sequence. VCF-style (leftmost placement, unchanged base first): chr11-108253995-CT-C. GRCh37 (hg19) VCF-style: chr11-108124722-CT-C.
Other names: c.2082del, p.Leu695fs (NM_001351834.2); short protein forms L695fs.
Identifiers: ClinVar variation 3148334 (VCV003148334.1), dbSNP rs2497317632, ClinGen allele CA2825001784.